The following is an entry in ClinVar:

ClinVar aggregate classification (germline): Uncertain significance. Review status: criteria provided, multiple submitters, no conflicts (2 of 4 stars). 2 submissions from 2 submitters: Uncertain significance (2). Last evaluated 2024-04-04.

Conditions:
Kleefstra syndrome 1 (KLEFS1). Identifiers: Orphanet 261494, MedGen C0795833, MONDO:0027407, OMIM 610253.

Submissions (2):

Fulgent Genetics
Classification: Uncertain significance for Kleefstra syndrome 1. Last evaluated: 2024-04-04. Review status: criteria provided, single submitter. Criteria: ACMG Guidelines, 2015. Collection method: clinical testing. Allele origin: germline.

Labcorp Genetics (formerly Invitae), Labcorp
Classification: Uncertain significance for Kleefstra syndrome 1. Last evaluated: 2023-07-27. Review status: criteria provided, single submitter. Criteria: Invitae Variant Classification Sherloc (09022015). Collection method: clinical testing. Allele origin: germline.
Comment: In summary, the available evidence is currently insufficient to determine the role of this variant in disease. Therefore, it has been classified as a Variant of Uncertain Significance. Advanced modeling of protein sequence and biophysical properties (such as structural, functional, and spatial information, amino acid conservation, physicochemical variation, residue mobility, and thermodynamic stability) performed at Invitae indicates that this missense variant is not expected to disrupt EHMT1 protein function. This variant has not been reported in the literature in individuals affected with EHMT1-related conditions. This variant is not present in population databases (gnomAD no frequency). This sequence change replaces proline, which is neutral and non-polar, with serine, which is neutral and polar, at codon 506 of the EHMT1 protein (p.Pro506Ser).

NM_024757.5(EHMT1):c.1516C>T (p.Pro506Ser)

Gene: EHMT1 (euchromatic histone lysine methyltransferase 1; plus strand). Cytogenetic location: 9q34.3.
Variant type: single nucleotide variant.
Coding change: c.1516C>T on transcript NM_024757.5 (MANE Select); coding-DNA position 1516, C replaced by T.
Protein change: p.Pro506Ser; replaces proline 506 with serine.
Molecular consequence: missense variant.
Genome position (GRCh38, 1-based): chr9:137,762,689, C>T. VCF-style: chr9-137762689-C-T. GRCh37 (hg19) VCF-style: chr9-140657141-C-T.
Other names: c.1516C>T, p.Pro506Ser (NM_001145527.2, NM_001354611.2); c.1423C>T, p.Pro475Ser (NM_001354259.2, NM_001354612.2); c.1495C>T, p.Pro499Ser (NM_001354263.2); short protein forms P475S, P499S, P506S.
Identifiers: ClinVar variation 2745289 (VCV002745289.4), dbSNP rs2542008243, ClinGen allele CA375768464.